The following is an entry in ClinVar:

ClinVar aggregate classification (germline): Uncertain significance (1 of 4 stars; one submission).

Conditions:
Early-infantile DEE. Also called: Early infantile epileptic encephalopathy; Ohtahara syndrome; Early infantile epileptic encephalopathy with suppression bursts. Identifiers: Orphanet 1934, MedGen C0393706, MONDO:0800491.

Submission:

Labcorp Genetics (formerly Invitae), Labcorp
Classification: Uncertain significance for Early-infantile DEE. Last evaluated: 2023-08-17. Review status: criteria provided, single submitter. Criteria: Invitae Variant Classification Sherloc (09022015). Collection method: clinical testing. Allele origin: germline.
Comment: This variant is not present in population databases (gnomAD no frequency). This sequence change falls in intron 1 of the KCNQ2 gene. It does not directly change the encoded amino acid sequence of the KCNQ2 protein. It affects a nucleotide within the consensus splice site. This variant has not been reported in the literature in individuals affected with KCNQ2-related conditions. In summary, the available evidence is currently insufficient to determine the role of this variant in disease. Therefore, it has been classified as a Variant of Uncertain Significance. Variants that disrupt the consensus splice site are a relatively common cause of aberrant splicing (PMID: 17576681, 9536098). Algorithms developed to predict the effect of sequence changes on RNA splicing suggest that this variant is not likely to affect RNA splicing. ClinVar contains an entry for this variant (Variation ID: 1917942).

Literature cited by the submitters: PubMed 17576681; PubMed 9536098.

NM_172107.4(KCNQ2):c.296+3G>A

Gene: KCNQ2 (potassium voltage-gated channel subfamily Q member 2; minus strand). Cytogenetic location: 20q13.33.
Variant type: single nucleotide variant.
Coding change: c.296+3G>A on transcript NM_172107.4 (MANE Select); 3 bases into the intron after coding-DNA position 296, G replaced by A.
Molecular consequence: intron variant.
Genome position (GRCh38, 1-based): chr20:63,472,165, C>T on the plus strand (G>A on the coding strand, the complement: KCNQ2 is on the minus strand). VCF-style: chr20-63472165-C-T. GRCh37 (hg19) VCF-style: chr20-62103518-C-T.
Other names: c.296+3G>A (NM_004518.6, NM_172108.5, NM_172106.3 and 2 more transcripts).
Identifiers: ClinVar variation 1917942 (VCV001917942.5), dbSNP rs2516742587, ClinGen allele CA2580098396.